The following is an entry in ClinVar:

ClinVar aggregate classification (germline): Likely benign. Review status: criteria provided, multiple submitters, no conflicts (2 of 4 stars). 3 submissions from 3 submitters: Likely benign (3). Last evaluated 2025-08-19.

Conditions:
XYLT2-related disorder. Also called: XYLT2-related condition.

Allele frequency attached by ClinVar (database versions not stated): ExAC 0.00002; gnomAD exomes 0.00002; TOPMed 0.00002; gnomAD 0.00003; ESP Exome Variant Server 0.00008.
gnomAD v4.1: 38 of 1,613,992 alleles (0.0024%); highest among the groups gnomAD compares: Non-Finnish European, 0.0031%; no homozygotes.

Submissions (3):

Labcorp Genetics (formerly Invitae), Labcorp
Classification: Likely benign. Last evaluated: 2025-08-19. Review status: criteria provided, single submitter. Criteria: Invitae Variant Classification Sherloc (09022015). Collection method: clinical testing. Allele origin: germline.

PreventionGenetics, part of Exact Sciences
Classification: Likely benign for XYLT2-related condition. Last evaluated: 2024-12-05. Review status: criteria provided, single submitter. Criteria: ACMG Guidelines, 2015. Collection method: clinical testing. Allele origin: germline.
Comment: This variant is classified as likely benign based on ACMG/AMP sequence variant interpretation guidelines (Richards et al. 2015 PMID: 25741868, with internal and published modifications).

Blueprint Genetics
Classification: Likely benign. Last evaluated: 2023-01-02. Review status: criteria provided, single submitter. Criteria: ACMG Guidelines, 2015. Collection method: clinical testing. Allele origin: germline.

NM_022167.4(XYLT2):c.2136G>A (p.Thr712=)

Gene: XYLT2 (xylosyltransferase 2; plus strand). Cytogenetic location: 17q21.33.
Variant type: single nucleotide variant.
Coding change: c.2136G>A on transcript NM_022167.4 (MANE Select); coding-DNA position 2136, G replaced by A.
Protein change: p.Thr712=; no amino-acid change (threonine 712 retained).
Molecular consequence: synonymous variant.
Genome position (GRCh38, 1-based): chr17:50,358,401, G>A. VCF-style: chr17-50358401-G-A. GRCh37 (hg19) VCF-style: chr17-48435762-G-A.
Other names: c.2136G>A (NM_022167.3).
Identifiers: ClinVar variation 1655000 (VCV001655000.10), dbSNP rs148916031, ClinGen allele CA8646670.